The following is an entry in ClinVar:

NM_052867.4(NALCN):c.1425G>A (p.Thr475=)

Gene: NALCN (sodium leak channel, non-selective; minus strand). Cytogenetic location: 13q33.1.
Variant type: single nucleotide variant.
Coding change: c.1425G>A on transcript NM_052867.4 (MANE Select); coding-DNA position 1425, G replaced by A.
Protein change: p.Thr475=; no amino-acid change (threonine 475 retained).
Molecular consequence: synonymous variant.
Genome position (GRCh38, 1-based): chr13:101,237,764, C>T on the plus strand (G>A on the coding strand, the complement: NALCN is on the minus strand). VCF-style: chr13-101237764-C-T. GRCh37 (hg19) VCF-style: chr13-101890115-C-T.
Other names: c.1425G>A (NM_052867.2); c.1425G>A, p.Thr475= (NM_001350748.2, NM_001350749.2); c.1338G>A, p.Thr446= (NM_001350750.2, NM_001350751.2).
Identifiers: ClinVar variation 2905526 (VCV002905526.5), dbSNP rs370195335, ClinGen allele CA7036220.

ClinVar aggregate classification (germline): Likely benign. Review status: criteria provided, single submitter (1 of 4 stars). 2 submissions from 2 submitters: Likely benign (1). 1 of the submissions does not count toward it. Last evaluated 2025-12-21.

Conditions:
NALCN-related disorder. Also called: NALCN-related disorders; NALCN-related condition.

Allele frequency attached by ClinVar (database versions not stated): gnomAD 0.00002; TOPMed below 0.00001.
gnomAD v4.1: 18 of 1,570,418 alleles (0.0011%); highest among the groups gnomAD compares: South Asian, 0.011%; no homozygotes.

Submissions (2):

Labcorp Genetics (formerly Invitae), Labcorp
Classification: Likely benign. Last evaluated: 2025-12-21. Review status: criteria provided, single submitter. Criteria: Invitae Variant Classification Sherloc (09022015). Collection method: clinical testing. Allele origin: germline.

PreventionGenetics, part of Exact Sciences
Classification: Likely benign for NALCN-related condition. Last evaluated: 2019-06-19. Review status: no assertion criteria provided. Collection method: clinical testing. Allele origin: germline. Not counted in ClinVar's aggregate classification.
Comment: This variant is classified as likely benign based on ACMG/AMP sequence variant interpretation guidelines (Richards et al. 2015 PMID: 25741868, with internal and published modifications).